The following is an entry in ClinVar:

ClinVar aggregate classification (germline): Uncertain significance (1 of 4 stars; one submission).

Submission:

GeneDx
Classification: Uncertain significance. Last evaluated: 2022-04-19. Review status: criteria provided, single submitter. Criteria: GeneDx Variant Classification Process June 2021. Collection method: clinical testing. Allele origin: germline. Affected: yes.
Comment: Not observed at significant frequency in large population cohorts (gnomAD); Missense variant in a gene in which most reported pathogenic variants are truncating/loss-of-function; Has not been previously published as pathogenic or benign to our knowledge; This variant is associated with the following publications: (PMID: 23975875)

NM_001267550.2(TTN):c.85310G>T (p.Gly28437Val)

Genes: TTN (titin; minus strand), TTN-AS1 (TTN antisense RNA 1; plus strand). Cytogenetic location: 2q31.2.
Variant type: single nucleotide variant.
Coding change: c.85310G>T on transcript NM_001267550.2 (MANE Select); coding-DNA position 85310, G replaced by T.
Protein change: p.Gly28437Val; replaces glycine 28437 with valine.
Molecular consequence: missense variant.
Genome position (GRCh38, 1-based): chr2:178,560,822, C>A on the plus strand (G>T on the coding strand, the complement: TTN is on the minus strand). VCF-style: chr2-178560822-C-A. GRCh37 (hg19) VCF-style: chr2-179425549-C-A.
Other names: c.85310G>T (NM_001267550.1); c.80387G>T, p.Gly26796Val (NM_001256850.1); c.58115G>T, p.Gly19372Val (NM_003319.4); c.77606G>T, p.Gly25869Val (NM_133378.4); c.58490G>T, p.Gly19497Val (NM_133432.3); c.58691G>T, p.Gly19564Val (NM_133437.4); short protein forms G19372V, G19497V, G19564V, G25869V, G26796V, G28437V.
Identifiers: ClinVar variation 1207006 (VCV001207006.5), dbSNP rs2154159083, ClinGen allele CA349554490.